The following is an entry in ClinVar:

ClinVar aggregate classification (germline): Pathogenic (1 of 4 stars; one submission).

Conditions:
Sulfite oxidase deficiency due to molybdenum cofactor deficiency type C. Also called: Molybdenum cofactor deficiency, complementation group C; Molybdenum cofactor deficiency C. Identifiers: Orphanet 308400, Orphanet 833, MedGen C1854990, MONDO:0014212, OMIM 615501.

gnomAD v4.1: 1 of 1,599,844 alleles (0.000063%); highest among the groups gnomAD compares: South Asian, 0.0011%; no homozygotes.

Submission:

Labcorp Genetics (formerly Invitae), Labcorp
Classification: Pathogenic for Sulfite oxidase deficiency due to molybdenum cofactor deficiency type C. Last evaluated: 2026-01-26. Review status: criteria provided, single submitter. Criteria: Invitae Variant Classification Sherloc (09022015). Collection method: clinical testing. Allele origin: germline.
Comment: This sequence change creates a premature translational stop signal (p.Tyr248*) in the GPHN gene. It is expected to result in an absent or disrupted protein product. Loss-of-function variants in GPHN are known to be pathogenic (PMID: 11095995, 23184456, 23393157, 24561070, 26613940). This variant is present in population databases (rs575826167, gnomAD 0.003%). This variant has not been reported in the literature in individuals affected with GPHN-related conditions. Algorithms developed to predict the effect of sequence changes on RNA splicing suggest that this variant may disrupt the consensus splice site. For these reasons, this variant has been classified as Pathogenic.

Literature cited by the submitters: PubMed 11095995; PubMed 23184456; PubMed 23393157; PubMed 24561070; PubMed 26613940.

NM_020806.5(GPHN):c.744C>G (p.Tyr248Ter)

Gene: GPHN (gephyrin; plus strand). Cytogenetic location: 14q23.3.
Variant type: single nucleotide variant.
Coding change: c.744C>G on transcript NM_020806.5 (MANE Select); coding-DNA position 744, C replaced by G.
Protein change: p.Tyr248Ter; replaces tyrosine 248 with a stop codon.
Molecular consequence: nonsense. On other transcripts: intron variant (7).
Genome position (GRCh38, 1-based): chr14:66,924,208, C>G. VCF-style: chr14-66924208-C-G. GRCh37 (hg19) VCF-style: chr14-67390925-C-G.
Other names: c.768+1270C>G (NM_001377514.1, NM_001377519.1); c.729+1270C>G (NM_001377515.1, NM_001377516.1, NM_001377518.1 and 2 more transcripts); short protein forms Y248*.
Identifiers: ClinVar variation 4754298 (VCV004754298.1).